The following is an entry in ClinVar:

ClinVar aggregate classification (germline): Uncertain significance (1 of 4 stars; one submission).

Submission:

Labcorp Genetics (formerly Invitae), Labcorp
Classification: Uncertain significance. Last evaluated: 2022-08-16. Review status: criteria provided, single submitter. Criteria: Invitae Variant Classification Sherloc (09022015). Collection method: clinical testing. Allele origin: germline.
Comment: This variant has not been reported in the literature in individuals affected with ZMIZ1-related conditions. This variant is not present in population databases (gnomAD no frequency). This sequence change falls in intron 10 of the ZMIZ1 gene. It does not directly change the encoded amino acid sequence of the ZMIZ1 protein. It affects a nucleotide within the consensus splice site. In summary, the available evidence is currently insufficient to determine the role of this variant in disease. Therefore, it has been classified as a Variant of Uncertain Significance. Variants that disrupt the consensus splice site are a relatively common cause of aberrant splicing (PMID: 17576681, 9536098). Algorithms developed to predict the effect of sequence changes on RNA splicing suggest that this variant may create or strengthen a splice site.

Literature cited by the submitters: PubMed 17576681; PubMed 9536098.

NM_020338.4(ZMIZ1):c.759-3C>A

Gene: ZMIZ1 (zinc finger MIZ-type containing 1; plus strand). Cytogenetic location: 10q22.3.
Variant type: single nucleotide variant.
Coding change: c.759-3C>A on transcript NM_020338.4 (MANE Select); 3 bases into the intron before coding-DNA position 759, C replaced by A.
Molecular consequence: intron variant.
Genome position (GRCh38, 1-based): chr10:79,292,155, C>A. VCF-style: chr10-79292155-C-A. GRCh37 (hg19) VCF-style: chr10-81051912-C-A.
Identifiers: ClinVar variation 2109566 (VCV002109566.4), dbSNP rs2493828986, ClinGen allele CA2580082022.